The following is an entry in ClinVar:

ClinVar aggregate classification (germline): Uncertain significance (1 of 4 stars; one submission).

Conditions:
Hereditary cancer-predisposing syndrome. Also called: Neoplastic Syndromes, Hereditary; Hereditary Cancer Syndrome; Hereditary neoplastic syndrome; Tumor predisposition. Identifiers: Orphanet 140162, MedGen C0027672, MeSH D009386, MONDO:0015356.

Submission:

Ambry Genetics
Classification: Uncertain significance for Hereditary cancer-predisposing syndrome. Last evaluated: 2023-04-18. Review status: criteria provided, single submitter. Criteria: Ambry Variant Classification Scheme 2023. Collection method: clinical testing. Allele origin: germline.
Comment: The p.V33A variant (also known as c.98T>C), located in coding exon 1 of the CTNNA1 gene, results from a T to C substitution at nucleotide position 98. The valine at codon 33 is replaced by alanine, an amino acid with similar properties. This amino acid position is conserved. In addition, the in silico prediction for this alteration is inconclusive. Since supporting evidence is limited at this time, the clinical significance of this alteration remains unclear.

NM_001903.5(CTNNA1):c.98T>C (p.Val33Ala)

Gene: CTNNA1 (catenin alpha 1; plus strand). Cytogenetic location: 5q31.2.
Variant type: single nucleotide variant.
Coding change: c.98T>C on transcript NM_001903.5 (MANE Select); coding-DNA position 98, T replaced by C.
Protein change: p.Val33Ala; replaces valine 33 with alanine.
Molecular consequence: missense variant. On other transcripts: 5 prime UTR variant (2).
Genome position (GRCh38, 1-based): chr5:138,782,022, T>C. VCF-style: chr5-138782022-T-C. GRCh37 (hg19) VCF-style: chr5-138117711-T-C.
Other names: c.98T>C, p.Val33Ala (NM_001323982.2, NM_001323983.1, NM_001323984.2 and 3 more transcripts); c.-16T>C (NM_001290309.3); c.-109T>C (NM_001290310.3); short protein forms V33A.
Identifiers: ClinVar variation 2563275 (VCV002563275.2), dbSNP rs2532171047, ClinGen allele CA361477232.